The following is an entry in ClinVar:

NM_003745.2(SOCS1):c.225C>T (p.Asp75=)

Gene: SOCS1 (suppressor of cytokine signaling 1; minus strand). Cytogenetic location: 16p13.13.
Variant type: single nucleotide variant.
Coding change: c.225C>T on transcript NM_003745.2 (MANE Select); coding-DNA position 225, C replaced by T.
Protein change: p.Asp75=; no amino-acid change (aspartic acid 75 retained).
Molecular consequence: synonymous variant.
Genome position (GRCh38, 1-based): chr16:11,255,254, G>A on the plus strand (C>T on the coding strand, the complement: SOCS1 is on the minus strand). VCF-style: chr16-11255254-G-A. GRCh37 (hg19) VCF-style: chr16-11349111-G-A.
Identifiers: ClinVar variation 1175881 (VCV001175881.35), dbSNP rs1056014933, ClinGen allele CA278232787.

ClinVar aggregate classification (germline): Likely benign (1 of 4 stars; one submission).

Allele frequency attached by ClinVar (database versions not stated): gnomAD exomes 0.00001; gnomAD 0.00004 and 0.00005; TOPMed 0.00006.

Submission:

CeGaT Center for Human Genetics Tuebingen
Classification: Likely benign. Last evaluated: 2023-10-01. Review status: criteria provided, single submitter. Criteria: CeGaT Center For Human Genetics Tuebingen Variant Classification Criteria Version 2. Collection method: clinical testing. Allele origin: germline. Affected: yes. Observed: 2 variant alleles.
Comment: SOCS1: BP4, BP7